The following is an entry in ClinVar:

ClinVar aggregate classification (germline): Uncertain significance (1 of 4 stars; one submission).

Submission:

GeneDx
Classification: Uncertain significance. Last evaluated: 2024-12-12. Review status: criteria provided, single submitter. Criteria: GeneDx Variant Classification Process June 2021. Collection method: clinical testing. Allele origin: germline. Affected: yes.
Comment: Not observed at significant frequency in large population cohorts (gnomAD); In silico analysis indicates that this missense variant does not alter protein structure/function; Has not been previously published as pathogenic or benign to our knowledge

NM_018082.6(POLR3B):c.565A>G (p.Ile189Val)

Gene: POLR3B (RNA polymerase III subunit B; plus strand). Cytogenetic location: 12q23.3.
Variant type: single nucleotide variant.
Coding change: c.565A>G on transcript NM_018082.6 (MANE Select); coding-DNA position 565, A replaced by G.
Protein change: p.Ile189Val; replaces isoleucine 189 with valine.
Molecular consequence: missense variant.
Genome position (GRCh38, 1-based): chr12:106,378,335, A>G. VCF-style: chr12-106378335-A-G. GRCh37 (hg19) VCF-style: chr12-106772113-A-G.
Other names: c.391A>G, p.Ile131Val (NM_001160708.2); short protein forms I131V, I189V.
Identifiers: ClinVar variation 3902880 (VCV003902880.1).